The following is an entry in ClinVar:

NM_000138.5(FBN1):c.4582+4del

Gene: FBN1 (fibrillin 1; minus strand). Cytogenetic location: 15q21.1.
Variant type: Deletion.
Coding change: c.4582+4del on transcript NM_000138.5 (MANE Select); 4 bases into the intron after coding-DNA position 4582, one base deleted (A; older notation c.4582+4delA).
Molecular consequence: intron variant.
Genome position (GRCh38, 1-based): chr15:48,468,408, T deleted on the plus strand (A on the coding strand, the reverse complement: FBN1 is on the minus strand); the first of 2 consecutive T bases (chr15:48,468,408-48,468,409); deleting either gives the same sequence. VCF-style (leftmost placement, unchanged base first): chr15-48468407-CT-C. GRCh37 (hg19) VCF-style: chr15-48760604-CT-C.
Identifiers: ClinVar variation 1473873 (VCV001473873.8), dbSNP rs2141272841, ClinGen allele CA2573150818.

ClinVar aggregate classification (germline): Conflicting classifications of pathogenicity. Review status: criteria provided, conflicting classifications (1 of 4 stars). 2 submissions from 2 submitters: Likely pathogenic (1); Uncertain significance (1). Last evaluated 2025-03-18.

Conditions:
Marfan syndrome (MFS). Also called: MARFAN SYNDROME, TYPE I; Marfan syndrome type 1; Marfan's syndrome; Marfan syndrome, classic; FBN1-Related Marfan Syndrome. Identifiers: Orphanet 284963, Orphanet 558, MedGen C0024796, MONDO:0007947, OMIM 154700.
Familial thoracic aortic aneurysm and aortic dissection (TAAD). Also called: Thoracic aortic aneurysms and dissections. Identifiers: Orphanet 91387, MedGen C4707243, MONDO:0019625.

Submissions (2):

Labcorp Genetics (formerly Invitae), Labcorp
Classification: Uncertain significance for Marfan syndrome; Familial thoracic aortic aneurysm and aortic dissection. Last evaluated: 2025-03-18. Review status: criteria provided, single submitter. Criteria: Invitae Variant Classification Sherloc (09022015). Collection method: clinical testing. Allele origin: germline.
Comment: This sequence change falls in intron 37 of the FBN1 gene. It does not directly change the encoded amino acid sequence of the FBN1 protein. It affects a nucleotide within the consensus splice site. This variant is not present in population databases (gnomAD no frequency). This variant has been observed in individual(s) with clinical features of Marfan syndrome (internal data). ClinVar contains an entry for this variant (Variation ID: 1473873). Variants that disrupt the consensus splice site are a relatively common cause of aberrant splicing (PMID: 17576681, 9536098). Algorithms developed to predict the effect of sequence changes on RNA splicing suggest that this variant may disrupt the consensus splice site. In summary, the available evidence is currently insufficient to determine the role of this variant in disease. Therefore, it has been classified as a Variant of Uncertain Significance.

GeneDx
Classification: Likely pathogenic. Last evaluated: 2023-05-25. Review status: criteria provided, single submitter. Criteria: GeneDx Variant Classification Process June 2021. Collection method: clinical testing. Allele origin: germline. Affected: yes.
Comment: Deletion of the nucleotide at the +4 position leads to a G>A substitution at the +5 splice site in a gene for which loss-of-function is a known mechanism of disease, and both splice predictors and evolutionary conservation support a deleterious effect; however, in the absence of functional evidence, the actual effect of this sequence change is unknown; Not observed at significant frequency in large population cohorts (gnomAD); In silico analysis supports a deleterious effect on splicing; Has not been previously published as pathogenic or benign to our knowledge

Literature cited by the submitters: PubMed 17576681 (cited by Labcorp Genetics (formerly Invitae), Labcorp); PubMed 9536098 (cited by Labcorp Genetics (formerly Invitae), Labcorp).